The following is an entry in ClinVar:

ClinVar aggregate classification (germline): Likely pathogenic (1 of 4 stars; one submission).

Submission:

GeneDx
Classification: Likely pathogenic. Last evaluated: 2016-05-09. Review status: criteria provided, single submitter. Criteria: GeneDx Variant Classification (06012015). Collection method: clinical testing. Allele origin: germline. Affected: yes.
Comment: The C500Y variant in the LAMA2 gene has not been reported previously as a pathogenic variant, nor as a benign variant, to our knowledge. This variant was not observed in approximately 6500 individuals of European and African American ancestry in the NHLBI Exome Sequencing Project, indicating it is not a common benign variant in these populations. The C500Y variant is a non-conservative amino acid substitution, which is likely to impact secondary protein structure as these residues differ in polarity, charge, size and/or other properties. This substitution occurs at a position that is conserved across species, and in silico analysis predicts this variant is probably damaging to the protein structure/function. The C500Y variant is a strong candidate for a pathogenic variant, however the possibility it may be a rare benign variant cannot be excluded.

NM_000426.4(LAMA2):c.1499G>A (p.Cys500Tyr)

Gene: LAMA2 (laminin subunit alpha 2; plus strand). Cytogenetic location: 6q22.33.
Variant type: single nucleotide variant.
Coding change: c.1499G>A on transcript NM_000426.4 (MANE Select); coding-DNA position 1499, G replaced by A.
Protein change: p.Cys500Tyr; replaces cysteine 500 with tyrosine.
Molecular consequence: missense variant.
Genome position (GRCh38, 1-based): chr6:129,190,236, G>A. VCF-style: chr6-129190236-G-A. GRCh37 (hg19) VCF-style: chr6-129511381-G-A.
Other names: c.1499G>A, p.Cys500Tyr (NM_001079823.2); short protein forms C500Y.
Identifiers: ClinVar variation 421149 (VCV000421149.2), dbSNP rs1064794941, ClinGen allele CA16618239.